The following is an entry in ClinVar:

NM_022124.6(CDH23):c.8723-4G>A

Gene: CDH23 (cadherin related 23; plus strand). Cytogenetic location: 10q22.1.
Variant type: single nucleotide variant.
Coding change: c.8723-4G>A on transcript NM_022124.6 (MANE Select); 4 bases into the intron before coding-DNA position 8723, G replaced by A.
Molecular consequence: intron variant.
Genome position (GRCh38, 1-based): chr10:71,809,816, G>A. VCF-style: chr10-71809816-G-A. GRCh37 (hg19) VCF-style: chr10-73569573-G-A.
Other names: c.2003-4G>A (NM_001171933.1, NM_001171934.1).
Identifiers: ClinVar variation 46051 (VCV000046051.11), dbSNP rs397517360, ClinGen allele CA137602.

ClinVar aggregate classification (germline): Likely benign. Review status: criteria provided, multiple submitters, no conflicts (2 of 4 stars). 2 submissions from 2 submitters: Likely benign (2). Last evaluated 2022-02-04.

Allele frequency attached by ClinVar (database versions not stated): gnomAD exomes below 0.00001.
gnomAD v4.1: 7 of 1,609,558 alleles (0.00043%); highest among the groups gnomAD compares: Non-Finnish European, 0.00051%; no homozygotes.

Submissions (2):

Labcorp Genetics (formerly Invitae), Labcorp
Classification: Likely benign. Last evaluated: 2022-02-04. Review status: criteria provided, single submitter. Criteria: Invitae Variant Classification Sherloc (09022015). Collection method: clinical testing. Allele origin: germline.

Laboratory for Molecular Medicine, Mass General Brigham Personalized Medicine
Classification: Likely benign. Last evaluated: 2012-05-14. Review status: criteria provided, single submitter. Criteria: LMM Criteria. Collection method: clinical testing. Allele origin: germline. Observed: 1 variant allele.
Comment: 8723-4G>A in intron 60 of CDH23: This variant is not expected to have clinical s ignificance because it is not located within the conserved region of the splice consensus sequence.